The following is an entry in ClinVar:

ClinVar aggregate classification (germline): Uncertain significance. Review status: criteria provided, multiple submitters, no conflicts (2 of 4 stars). 3 submissions from 3 submitters: Uncertain significance (3). Last evaluated 2025-12-03.

Conditions:
CHARGE syndrome (CHARGE). Also called: Hittner Hirsch Kreh syndrome; Coloboma, heart anomaly, choanal atresia, retardation, genital and ear anomalies; CHARGE association; Hall-Hittner syndrome; CHARGE ASSOCIATION--COLOBOMA, HEART ANOMALY, CHOANAL ATRESIA, RETARDATION, GENITAL AND EAR ANOMALIES. Identifiers: Orphanet 138, MedGen C0265354, MONDO:0008965.
Hypogonadotropic hypogonadism 7 with or without anosmia (HH7). Also called: GNRHR-Related GnRH Deficiency; HYPOGONADOTROPIC HYPOGONADISM 7 WITHOUT ANOSMIA. Identifiers: Orphanet 432, MedGen C0342384, MONDO:0007794, OMIM 146110.

Allele frequency attached by ClinVar (database versions not stated): gnomAD 0.00001; gnomAD exomes 0.00001; TOPMed 0.00002.
gnomAD v4.1: 7 of 1,612,820 alleles (0.00043%); highest among the groups gnomAD compares: Non-Finnish European, 0.00051%; no homozygotes.

Submissions (3):

Labcorp Genetics (formerly Invitae), Labcorp
Classification: Uncertain significance for CHARGE syndrome. Last evaluated: 2025-12-03. Review status: criteria provided, single submitter. Criteria: Invitae Variant Classification Sherloc (09022015). Collection method: clinical testing. Allele origin: germline.
Comment: This sequence change replaces histidine, which is basic and polar, with aspartic acid, which is acidic and polar, at codon 359 of the SEMA3E protein (p.His359Asp). This variant is not present in population databases (gnomAD no frequency). This variant has not been reported in the literature in individuals affected with SEMA3E-related conditions. ClinVar contains an entry for this variant (Variation ID: 949670). Invitae Evidence Modeling of protein sequence and biophysical properties (such as structural, functional, and spatial information, amino acid conservation, physicochemical variation, residue mobility, and thermodynamic stability) indicates that this missense variant is expected to disrupt SEMA3E protein function with a positive predictive value of 80%. In summary, the available evidence is currently insufficient to determine the role of this variant in disease. Therefore, it has been classified as a Variant of Uncertain Significance.

Fulgent Genetics
Classification: Uncertain significance for Hypogonadotropic hypogonadism 7 with or without anosmia; CHD7-related CHARGE syndrome. Last evaluated: 2021-10-28. Review status: criteria provided, single submitter. Criteria: ACMG Guidelines, 2015. Collection method: clinical testing. Allele origin: unknown.

Baylor Genetics
Classification: Uncertain significance for CHD7-related CHARGE syndrome. Last evaluated: 2018-02-23. Review status: criteria provided, single submitter. Criteria: ACMG Guidelines, 2015. Collection method: clinical testing. Allele origin: maternal. Affected: yes.
Comment: This variant was determined to be of uncertain significance according to ACMG Guidelines, 2015 [PMID:25741868].

NM_012431.3(SEMA3E):c.1075C>G (p.His359Asp)

Gene: SEMA3E (semaphorin 3E; minus strand). Cytogenetic location: 7q21.11.
Variant type: single nucleotide variant.
Coding change: c.1075C>G on transcript NM_012431.3 (MANE Select); coding-DNA position 1075, C replaced by G.
Protein change: p.His359Asp; replaces histidine 359 with aspartic acid.
Molecular consequence: missense variant.
Genome position (GRCh38, 1-based): chr7:83,402,700, G>C on the plus strand (C>G on the coding strand, the complement: SEMA3E is on the minus strand). VCF-style: chr7-83402700-G-C. GRCh37 (hg19) VCF-style: chr7-83032016-G-C.
Other names: c.895C>G, p.His299Asp (NM_001178129.2); short protein forms H359D, H299D.
Identifiers: ClinVar variation 949670 (VCV000949670.10), dbSNP rs1378507372, ClinGen allele CA367929172.